The following is an entry in ClinVar:

ClinVar aggregate classification (germline): Uncertain significance. Review status: criteria provided, multiple submitters, no conflicts (2 of 4 stars). 2 submissions from 2 submitters: Uncertain significance (2). Last evaluated 2025-12-17.

Conditions:
Inborn genetic diseases. Identifiers: MedGen C0950123, MeSH D030342.
Autosomal recessive polycystic kidney disease (ARPKD). Also called: AR polycystic kidney disease. Identifiers: Orphanet 731, Orphanet 8378, MedGen C0085548, MeSH D017044, MONDO:0009889.

Allele frequency attached by ClinVar (database versions not stated): gnomAD 0.00002; ExAC 0.00003; gnomAD exomes 0.00003; 1000 Genomes Project 30x 0.00016; 1000 Genomes Project 0.00020.
gnomAD v4.1: 45 of 1,609,416 alleles (0.0028%); highest among the groups gnomAD compares: Non-Finnish European, 0.0037%; no homozygotes.

Submissions (2):

Labcorp Genetics (formerly Invitae), Labcorp
Classification: Uncertain significance for Autosomal recessive polycystic kidney disease. Last evaluated: 2025-12-17. Review status: criteria provided, single submitter. Criteria: Invitae Variant Classification Sherloc (09022015). Collection method: clinical testing. Allele origin: germline.
Comment: This sequence change replaces glycine, which is neutral and non-polar, with glutamic acid, which is acidic and polar, at codon 2248 of the PKHD1 protein (p.Gly2248Glu). This variant is present in population databases (rs566511516, gnomAD 0.004%). This variant has not been reported in the literature in individuals affected with PKHD1-related conditions. ClinVar contains an entry for this variant (Variation ID: 2289724). Invitae Evidence Modeling of protein sequence and biophysical properties (such as structural, functional, and spatial information, amino acid conservation, physicochemical variation, residue mobility, and thermodynamic stability) indicates that this missense variant is not expected to disrupt PKHD1 protein function with a negative predictive value of 95%. In summary, the available evidence is currently insufficient to determine the role of this variant in disease. Therefore, it has been classified as a Variant of Uncertain Significance.

Ambry Genetics
Classification: Uncertain significance for Inborn genetic diseases. Last evaluated: 2025-08-07. Review status: criteria provided, single submitter. Criteria: Ambry Variant Classification Scheme 2023. Collection method: clinical testing. Allele origin: germline.

NM_138694.4(PKHD1):c.6743G>A (p.Gly2248Glu)

Gene: PKHD1 (PKHD1 ciliary IPT domain containing fibrocystin/polyductin; minus strand). Cytogenetic location: 6p12.2.
Variant type: single nucleotide variant.
Coding change: c.6743G>A on transcript NM_138694.4 (MANE Select); coding-DNA position 6743, G replaced by A.
Protein change: p.Gly2248Glu; replaces glycine 2248 with glutamic acid.
Molecular consequence: missense variant.
Genome position (GRCh38, 1-based): chr6:51,906,280, C>T on the plus strand (G>A on the coding strand, the complement: PKHD1 is on the minus strand). VCF-style: chr6-51906280-C-T. GRCh37 (hg19) VCF-style: chr6-51771078-C-T.
Other names: c.6743G>A, p.Gly2248Glu (NM_170724.3); short protein forms G2248E.
Identifiers: ClinVar variation 2289724 (VCV002289724.4), dbSNP rs566511516, ClinGen allele CA3852188.